The following is an entry in ClinVar:

NC_000010.10:g.(?_69868190)_(69972774_?)dup

Gene: MYPN (myopalladin; plus strand). Cytogenetic location: 10q21.3.
Variant type: Duplication.
Identifiers: ClinVar variation 1025368 (VCV001025368.2).

ClinVar aggregate classification (germline): Uncertain significance (1 of 4 stars; one submission).

Conditions:
Dilated cardiomyopathy 1KK (CMD1KK). Identifiers: Orphanet 154, Orphanet 75249, MedGen C3714995, MONDO:0014100, OMIM 615248.

Submission:

Labcorp Genetics (formerly Invitae), Labcorp
Classification: Uncertain significance for Dilated cardiomyopathy 1KK. Last evaluated: 2020-10-09. Review status: criteria provided, single submitter. Criteria: Invitae Variant Classification Sherloc (09022015). Collection method: clinical testing. Allele origin: germline.
Comment: This variant results in a copy number gain of the genomic region encompassing the full coding sequence of the MYPN gene. The boundaries of this event are unknown as they extend beyond the assayed region for this gene and therefore may encompass additional genes. As the precise location of this event is unknown, it may be in tandem or it may be located elsewhere in the genome. This variant has not been reported in the literature in individuals with MYPN-related conditions. Experimental studies and prediction algorithms are not available or were not evaluated, and the functional significance of this variant is currently unknown. In summary, the available evidence is currently insufficient to determine the role of this variant in disease. Therefore, it has been classified as a Variant of Uncertain Significance.